The following is an entry in ClinVar:

ClinVar aggregate classification (germline): Pathogenic. Review status: criteria provided, multiple submitters, no conflicts (2 of 4 stars). 3 submissions from 3 submitters: Pathogenic (3). Last evaluated 2025-03-10.

Conditions:
Deficiency of guanidinoacetate methyltransferase (CCDS2). Also called: GAMT DEFICIENCY; CEREBRAL CREATINE DEFICIENCY SYNDROME 2; Guanidinoacetate Methyltransferase (GAMT) Deficiency. Identifiers: Orphanet 382, MedGen C0574080, MONDO:0012999, OMIM 612736.
Cerebral creatine deficiency syndrome. Also called: Creatine deficiency syndromes. Identifiers: Orphanet 79172, MedGen C5244016, MONDO:0000456.

Allele frequency attached by ClinVar (database versions not stated): gnomAD exomes below 0.00001; TOPMed 0.00001; gnomAD 0.00001.
gnomAD v4.1: 3 of 1,587,666 alleles (0.00019%); highest among the groups gnomAD compares: Non-Finnish European, 0.00017%; no homozygotes.

Submissions (3):

Natera, Inc.
Classification: Pathogenic for Guanidinoacetate methyltransferase deficiency. Last evaluated: 2025-03-10. Review status: criteria provided, single submitter. Criteria: Natera Variant Classification Schema (03/2026). Collection method: clinical testing. Allele origin: germline.
Comment: The c.289C>T variant in GAMT is a nonsense variant predicted to introduce a stop codon at amino acid 97. This variant is expected to result in nonsense mediated decay, truncation, or a dysfunctional protein product. This variant is rare in the general population with a frequency below the threshold expected for the associated phenotype(s). This variant has been observed in one or more individuals affected with the associated recessive disease, as either homozygous or compound heterozygous with a second variant (PMID: 23234264). Given the available evidence, this variant is classified as Pathogenic.

Labcorp Genetics (formerly Invitae), Labcorp
Classification: Pathogenic for Cerebral creatine deficiency syndrome. Last evaluated: 2024-07-22. Review status: criteria provided, single submitter. Criteria: Invitae Variant Classification Sherloc (09022015). Collection method: clinical testing. Allele origin: germline.
Comment: This sequence change creates a premature translational stop signal (p.Gln97*) in the GAMT gene. It is expected to result in an absent or disrupted protein product. Loss-of-function variants in GAMT are known to be pathogenic (PMID: 15108290). This variant is not present in population databases (gnomAD no frequency). This premature translational stop signal has been observed in individual(s) with GAMT deficiency (PMID: 23234264). ClinVar contains an entry for this variant (Variation ID: 1075655). For these reasons, this variant has been classified as Pathogenic.

Baylor Genetics
Classification: Pathogenic for Deficiency of guanidinoacetate methyltransferase. Last evaluated: 2023-11-08. Review status: criteria provided, single submitter. Criteria: ACMG Guidelines, 2015. Collection method: clinical testing. Allele origin: unknown.

Literature cited by the submitters: PubMed 23234264 (cited by Natera, Inc. and Labcorp Genetics (formerly Invitae), Labcorp); PubMed 15108290 (cited by Labcorp Genetics (formerly Invitae), Labcorp).

NM_000156.6(GAMT):c.289C>T (p.Gln97Ter)

Gene: GAMT (guanidinoacetate N-methyltransferase; minus strand). Cytogenetic location: 19p13.3.
Variant type: single nucleotide variant.
Coding change: c.289C>T on transcript NM_000156.6 (MANE Select); coding-DNA position 289, C replaced by T.
Protein change: p.Gln97Ter; replaces glutamine 97 with a stop codon.
Molecular consequence: nonsense.
Genome position (GRCh38, 1-based): chr19:1,399,831, G>A on the plus strand (C>T on the coding strand, the complement: GAMT is on the minus strand). VCF-style: chr19-1399831-G-A. GRCh37 (hg19) VCF-style: chr19-1399830-G-A.
Other names: c.289C>T, p.Gln97Ter (NM_138924.3); c.289C>T (NM_000156.5); short protein forms Q97*.
Identifiers: ClinVar variation 1075655 (VCV001075655.12), dbSNP rs1215576338, ClinGen allele CA402996297.